The following is an entry in ClinVar:

ClinVar aggregate classification (germline): Uncertain significance (1 of 4 stars; one submission).

gnomAD v4.1: 4 of 1,614,016 alleles (0.00025%); highest among the groups gnomAD compares: African/African-American, 0.0027%; no homozygotes.

Submission:

GeneDx
Classification: Uncertain significance. Last evaluated: 2024-12-03. Review status: criteria provided, single submitter. Criteria: GeneDx Variant Classification Process June 2021. Collection method: clinical testing. Allele origin: germline. Affected: yes.
Comment: In silico analysis supports that this missense variant has a deleterious effect on protein structure/function; Has not been previously published as pathogenic or benign to our knowledge

NM_002470.4(MYH3):c.4813G>A (p.Glu1605Lys)

Gene: MYH3 (myosin heavy chain 3; minus strand). Cytogenetic location: 17p13.1.
Variant type: single nucleotide variant.
Coding change: c.4813G>A on transcript NM_002470.4 (MANE Select); coding-DNA position 4813, G replaced by A.
Protein change: p.Glu1605Lys; replaces glutamic acid 1605 with lysine.
Molecular consequence: missense variant.
Genome position (GRCh38, 1-based): chr17:10,632,619, C>T on the plus strand (G>A on the coding strand, the complement: MYH3 is on the minus strand). VCF-style: chr17-10632619-C-T. GRCh37 (hg19) VCF-style: chr17-10535936-C-T.
Other names: short protein forms E1605K.
Identifiers: ClinVar variation 3901489 (VCV003901489.1).
Genomic context (GRCh38, chr17:10,632,619, plus strand): 5'-CATTCAGGTCCCCCTCCATCTTCTTCTTGAGCCGGATGGCTTCATTCCTGCTCCGCACCT[C>T]GGCGTCCAGGGCGCTCTGCATGGTTTCCACTGTTCTCTGGTAGTTCCTCTTCAGCTGCTC-3'
Protein context (NP_002461.2, residues 1595-1615): VETMQSALDA[Glu1605Lys]VRSRNEAIRL